The following is an entry in ClinVar:

NM_014252.4(SLC25A15):c.217G>A (p.Ala73Thr)

Gene: SLC25A15 (solute carrier family 25 member 15; plus strand). Cytogenetic location: 13q14.11.
Variant type: single nucleotide variant.
Coding change: c.217G>A on transcript NM_014252.4 (MANE Select); coding-DNA position 217, G replaced by A.
Protein change: p.Ala73Thr; replaces alanine 73 with threonine.
Molecular consequence: missense variant. On other transcripts: non-coding transcript variant (2).
Genome position (GRCh38, 1-based): chr13:40,799,218, G>A. VCF-style: chr13-40799218-G-A. GRCh37 (hg19) VCF-style: chr13-41373354-G-A.
Other names: short protein forms A73T.
Identifiers: ClinVar variation 965797 (VCV000965797.9), dbSNP rs531611390, ClinGen allele CA6959647.
Genomic context (GRCh38, chr13:40,799,218, plus strand): 5'-AAGACTTACTCCCAGGTGGGCTTCCGTGGCTTCTACAAGGGTACCAGTCCAGCACTAATC[G>A]CCAACATCGCTGAGAACTCAGTCCTCTTCATGTGCTACGGCTTCTGCCAGCAGGTGGTGC-3'
Protein context (NP_055067.1, residues 63-83): FYKGTSPALI[Ala73Thr]NIAENSVLFM

ClinVar aggregate classification (germline): Uncertain significance. Review status: criteria provided, multiple submitters, no conflicts (2 of 4 stars). 3 submissions from 3 submitters: Uncertain significance (2). 1 of the submissions does not count toward it. Last evaluated 2025-07-15.

Conditions:
Inborn genetic diseases. Identifiers: MedGen C0950123, MeSH D030342.
Hyperornithinemia-hyperammonemia-homocitrullinuria syndrome (HHHS). Also called: HHH SYNDROME; Ornithine translocase deficiency. Identifiers: Orphanet 415, MedGen C0268540, MONDO:0009393, OMIM 238970.

Allele frequency attached by ClinVar (database versions not stated): ExAC 0.00001; gnomAD exomes 0.00001; gnomAD 0.00002 and 0.00003; TOPMed 0.00002; 1000 Genomes Project 30x 0.00016; 1000 Genomes Project 0.00020.

Submissions (3):

Ambry Genetics
Classification: Uncertain significance for Inborn genetic diseases. Last evaluated: 2025-07-15. Review status: criteria provided, single submitter. Criteria: Ambry Variant Classification Scheme 2023. Collection method: clinical testing. Allele origin: germline.

Labcorp Genetics (formerly Invitae), Labcorp
Classification: Uncertain significance for Hyperornithinemia-hyperammonemia-homocitrullinuria syndrome. Last evaluated: 2024-03-15. Review status: criteria provided, single submitter. Criteria: Invitae Variant Classification Sherloc (09022015). Collection method: clinical testing. Allele origin: germline.
Comment: This sequence change replaces alanine, which is neutral and non-polar, with threonine, which is neutral and polar, at codon 73 of the SLC25A15 protein (p.Ala73Thr). This variant is present in population databases (rs531611390, gnomAD 0.006%). This variant has not been reported in the literature in individuals affected with SLC25A15-related conditions. ClinVar contains an entry for this variant (Variation ID: 965797). Advanced modeling of protein sequence and biophysical properties (such as structural, functional, and spatial information, amino acid conservation, physicochemical variation, residue mobility, and thermodynamic stability) performed at Invitae indicates that this missense variant is not expected to disrupt SLC25A15 protein function with a negative predictive value of 80%. In summary, the available evidence is currently insufficient to determine the role of this variant in disease. Therefore, it has been classified as a Variant of Uncertain Significance.

Natera, Inc.
Classification: Uncertain significance for Hyperornithinemia-hyperammonemia-homocitrullinuria syndrome. Last evaluated: 2020-02-26. Review status: no assertion criteria provided. Collection method: clinical testing. Allele origin: germline. Not counted in ClinVar's aggregate classification.